The following is an entry in ClinVar:

ClinVar aggregate classification (germline): Uncertain significance (1 of 4 stars; one submission).

Conditions:
Inborn genetic diseases. Identifiers: MedGen C0950123, MeSH D030342.

gnomAD v4.1: 1 of 1,593,860 alleles (0.000063%); highest among the groups gnomAD compares: Admixed American, 0.0017%; no homozygotes.

Submission:

Ambry Genetics
Classification: Uncertain significance for Inborn genetic diseases. Last evaluated: 2026-01-06. Review status: criteria provided, single submitter. Criteria: Ambry Variant Classification Scheme 2023. Collection method: clinical testing. Allele origin: germline.
Comment: The c.138+3G>A intronic variant results from a G to A substitution 3 nucleotides after coding exon 2 in the DDX41 gene. This nucleotide position is not well conserved in available vertebrate species. In silico splice site analysis predicts that this alteration will not have any significant effect on splicing. Based on the available evidence, the clinical significance of this variant remains unclear.

NM_016222.4(DDX41):c.138+3G>A

Gene: DDX41 (DEAD-box helicase 41; minus strand). Cytogenetic location: 5q35.3.
Variant type: single nucleotide variant.
Coding change: c.138+3G>A on transcript NM_016222.4 (MANE Select); 3 bases into the intron after coding-DNA position 138, G replaced by A.
Molecular consequence: intron variant. On other transcripts: 5 prime UTR variant (1).
Genome position (GRCh38, 1-based): chr5:177,516,722, C>T on the plus strand (G>A on the coding strand, the complement: DDX41 is on the minus strand). VCF-style: chr5-177516722-C-T. GRCh37 (hg19) VCF-style: chr5-176943723-C-T.
Other names: c.-515G>A (NM_001321732.2); c.-310+3G>A (NM_001321830.2).
Identifiers: ClinVar variation 4841779 (VCV004841779.1).
Genomic context (GRCh38, chr5:177,516,722, plus strand): 5'-CACGCCCGCCCCCTGCGACCCCGCGGTCACGGCCCCATCCCTCCCCGGACGCGTGCCCCT[C>T]ACCAGTAGCTGCCGGCGCTGCCGTAACGGCACATAGGGCACGTAGTCCTCGTCGTCCTCA-3'